The following is an entry in ClinVar:

NM_001365951.3(KIF1B):c.3772A>G (p.Ile1258Val)

Gene: KIF1B (kinesin family member 1B; plus strand). Cytogenetic location: 1p36.22.
Variant type: single nucleotide variant.
Coding change: c.3772A>G on transcript NM_001365951.3 (MANE Select); coding-DNA position 3772, A replaced by G.
Protein change: p.Ile1258Val; replaces isoleucine 1258 with valine.
Molecular consequence: missense variant.
Genome position (GRCh38, 1-based): chr1:10,345,928, A>G. VCF-style: chr1-10345928-A-G. GRCh37 (hg19) VCF-style: chr1-10405986-A-G.
Other names: c.3772A>G, p.Ile1258Val (NM_001365952.1); c.3634A>G, p.Ile1212Val (NM_015074.3); short protein forms I1212V, I1258V.
Identifiers: ClinVar variation 642677 (VCV000642677.13), dbSNP rs746270104, ClinGen allele CA581868.

ClinVar aggregate classification (germline): Uncertain significance. Review status: criteria provided, multiple submitters, no conflicts (2 of 4 stars). 2 submissions from 2 submitters: Uncertain significance (2). Last evaluated 2024-10-29.

Conditions:
Charcot-Marie-Tooth disease type 2. Also called: Charcot-Marie-Tooth type 2. Identifiers: Orphanet 64746, MedGen C0270914, MONDO:0018993.

Allele frequency attached by ClinVar (database versions not stated): ExAC 0.00001; gnomAD 0.00001; TOPMed 0.00001; gnomAD exomes below 0.00001 and 0.00001.
gnomAD v4.1: 4 of 1,613,162 alleles (0.00025%); highest among the groups gnomAD compares: African/African-American, 0.0027%; no homozygotes.

Submissions (2):

Ambry Genetics
Classification: Uncertain significance. Last evaluated: 2024-10-29. Review status: criteria provided, single submitter. Criteria: Ambry Variant Classification Scheme 2023. Collection method: clinical testing. Allele origin: germline.
Comment: The p.I1212V variant (also known as c.3634A>G), located in coding exon 32 of the KIF1B gene, results from an A to G substitution at nucleotide position 3634. The isoleucine at codon 1212 is replaced by valine, an amino acid with highly similar properties. This amino acid position is conserved. In addition, the in silico prediction for this alteration is inconclusive. The evidence for this gene-disease relationship is limited; therefore, the clinical significance of this alteration is unclear.

Labcorp Genetics (formerly Invitae), Labcorp
Classification: Uncertain significance for Charcot-Marie-Tooth disease type 2. Last evaluated: 2021-06-04. Review status: criteria provided, single submitter. Criteria: Invitae Variant Classification Sherloc (09022015). Collection method: clinical testing. Allele origin: germline.
Comment: This variant is present in population databases (rs746270104, ExAC 0.01%). This variant has not been reported in the literature in individuals with KIF1B-related disease. This sequence change replaces isoleucine with valine at codon 1212 of the KIF1B protein (p.Ile1212Val). The isoleucine residue is highly conserved and there is a small physicochemical difference between isoleucine and valine. Algorithms developed to predict the effect of missense changes on protein structure and function (SIFT, PolyPhen-2, Align-GVGD) all suggest that this variant is likely to be tolerated, but these predictions have not been confirmed by published functional studies and their clinical significance is uncertain. Algorithms developed to predict the effect of sequence changes on RNA splicing suggest that this variant may create or strengthen a splice site, but this prediction has not been confirmed by published transcriptional studies. In summary, the available evidence is currently insufficient to determine the role of this variant in disease. Therefore, it has been classified as a Variant of Uncertain Significance.